The following is an entry in ClinVar:

ClinVar aggregate classification (germline): Uncertain significance (1 of 4 stars; one submission).

gnomAD v4.1: 2 of 1,573,972 alleles (0.00013%); highest among the groups gnomAD compares: Admixed American, 0.0018%; no homozygotes.

Submission:

Labcorp Genetics (formerly Invitae), Labcorp
Classification: Uncertain significance. Last evaluated: 2024-01-05. Review status: criteria provided, single submitter. Criteria: Invitae Variant Classification Sherloc (09022015). Collection method: clinical testing. Allele origin: germline.
Comment: This sequence change replaces proline, which is neutral and non-polar, with arginine, which is basic and polar, at codon 760 of the BRD4 protein (p.Pro760Arg). This variant is present in population databases (rs768748387, gnomAD 0.003%). This variant has not been reported in the literature in individuals affected with BRD4-related conditions. An algorithm developed to predict the effect of missense changes on protein structure and function (PolyPhen-2) suggests that this variant is likely to be disruptive. In summary, the available evidence is currently insufficient to determine the role of this variant in disease. Therefore, it has been classified as a Variant of Uncertain Significance.

NM_001379291.1(BRD4):c.2279C>G (p.Pro760Arg)

Gene: BRD4 (bromodomain containing 4; minus strand). Cytogenetic location: 19p13.12.
Variant type: single nucleotide variant.
Coding change: c.2279C>G on transcript NM_001379291.1 (MANE Select); coding-DNA position 2279, C replaced by G.
Protein change: p.Pro760Arg; replaces proline 760 with arginine.
Molecular consequence: missense variant.
Genome position (GRCh38, 1-based): chr19:15,244,533, G>C on the plus strand (C>G on the coding strand, the complement: BRD4 is on the minus strand). VCF-style: chr19-15244533-G-C. GRCh37 (hg19) VCF-style: chr19-15355344-G-C.
Other names: c.2279C>G, p.Pro760Arg (NM_058243.3); short protein forms P760R.
Identifiers: ClinVar variation 2878905 (VCV002878905.3), dbSNP rs768748387, ClinGen allele CA9264991.